The following is an entry in ClinVar:

NM_178140.4(PDZD2):c.3623G>A (p.Ser1208Asn)

Gene: PDZD2 (PDZ domain containing 2; plus strand). Cytogenetic location: 5p13.3.
Variant type: single nucleotide variant.
Coding change: c.3623G>A on transcript NM_178140.4 (MANE Select); coding-DNA position 3623, G replaced by A.
Protein change: p.Ser1208Asn; replaces serine 1208 with asparagine.
Molecular consequence: missense variant.
Genome position (GRCh38, 1-based): chr5:32,077,547, G>A. VCF-style: chr5-32077547-G-A. GRCh37 (hg19) VCF-style: chr5-32077653-G-A.
Other names: short protein forms S1208N.
Identifiers: ClinVar variation 3039648 (VCV003039648.2), dbSNP rs61745726, ClinGen allele CA3219530.

ClinVar aggregate classification (germline): Benign (0 of 4 stars; one submission).

Conditions:
PDZD2-related disorder. Also called: PDZD2-related condition.

Allele frequency attached by ClinVar (database versions not stated): gnomAD exomes 0.00780; ExAC 0.02649; gnomAD 0.08118; 1000 Genomes Project 0.09065; TOPMed 0.09087; 1000 Genomes Project 30x 0.09572; ESP Exome Variant Server 0.09657.
gnomAD v4.1: 24,179 of 1,614,020 alleles (1.5%); highest among the groups gnomAD compares: African/African-American, 29%; 3,168 homozygotes.

Submission:

PreventionGenetics, part of Exact Sciences
Classification: Benign for PDZD2-related condition. Last evaluated: 2019-03-18. Review status: no assertion criteria provided. Collection method: clinical testing. Allele origin: germline.
Comment: This variant is classified as benign based on ACMG/AMP sequence variant interpretation guidelines (Richards et al. 2015 PMID: 25741868, with internal and published modifications).